The following is an entry in ClinVar:

NM_005560.6(LAMA5):c.4899C>T (p.Ala1633=)

Gene: LAMA5 (laminin subunit alpha 5; minus strand). Cytogenetic location: 20q13.33.
Variant type: single nucleotide variant.
Coding change: c.4899C>T on transcript NM_005560.6 (MANE Select); coding-DNA position 4899, C replaced by T.
Protein change: p.Ala1633=; no amino-acid change (alanine 1633 retained).
Molecular consequence: synonymous variant.
Genome position (GRCh38, 1-based): chr20:62,327,568, G>A on the plus strand (C>T on the coding strand, the complement: LAMA5 is on the minus strand). VCF-style: chr20-62327568-G-A. GRCh37 (hg19) VCF-style: chr20-60902624-G-A.
Identifiers: ClinVar variation 3356272 (VCV003356272.1).

ClinVar aggregate classification (germline): Likely benign (0 of 4 stars; one submission).

Conditions:
LAMA5-related disorder. Also called: LAMA5-related condition; LAMA5-Related Disorders.

Submission:

PreventionGenetics, part of Exact Sciences
Classification: Likely benign for LAMA5-related condition. Last evaluated: 2022-12-19. Review status: no assertion criteria provided. Collection method: clinical testing. Allele origin: germline.
Comment: This variant is classified as likely benign based on ACMG/AMP sequence variant interpretation guidelines (Richards et al. 2015 PMID: 25741868, with internal and published modifications).